The following is an entry in ClinVar:

NM_177972.3(TUB):c.1008G>A (p.Leu336=)

Genes: RIC3 (RIC3 acetylcholine receptor chaperone; minus strand), TUB (TUB bipartite transcription factor; plus strand). Cytogenetic location: 11p15.4.
Variant type: single nucleotide variant.
Coding change: c.1008G>A on transcript NM_177972.3 (MANE Select); coding-DNA position 1008, G replaced by A.
Protein change: p.Leu336=; no amino-acid change (leucine 336 retained).
Molecular consequence: synonymous variant.
Genome position (GRCh38, 1-based): chr11:8,098,767, G>A. VCF-style: chr11-8098767-G-A. GRCh37 (hg19) VCF-style: chr11-8120314-G-A.
Other names: c.1173G>A (NM_003320.4); c.1173G>A, p.Leu391= (NM_003320.5).
Identifiers: ClinVar variation 1105434 (VCV001105434.11), dbSNP rs759600983, ClinGen allele CA5871315.

ClinVar aggregate classification (germline): Likely benign. Review status: criteria provided, single submitter (1 of 4 stars). 2 submissions from 2 submitters: Likely benign (1). 1 of the submissions does not count toward it. Last evaluated 2025-05-09.

Conditions:
TUB-related disorder. Also called: TUB-related condition.

Allele frequency attached by ClinVar (database versions not stated): gnomAD 0.00001; ExAC 0.00002; gnomAD exomes 0.00002 and 0.00003; TOPMed 0.00002.
gnomAD v4.1: 54 of 1,613,736 alleles (0.0033%); highest among the groups gnomAD compares: Non-Finnish European, 0.0042%; no homozygotes.

Submissions (2):

Labcorp Genetics (formerly Invitae), Labcorp
Classification: Likely benign. Last evaluated: 2025-05-09. Review status: criteria provided, single submitter. Criteria: Invitae Variant Classification Sherloc (09022015). Collection method: clinical testing. Allele origin: germline.

PreventionGenetics, part of Exact Sciences
Classification: Likely benign for TUB-related condition. Last evaluated: 2019-12-23. Review status: no assertion criteria provided. Collection method: clinical testing. Allele origin: germline. Not counted in ClinVar's aggregate classification.
Comment: This variant is classified as likely benign based on ACMG/AMP sequence variant interpretation guidelines (Richards et al. 2015 PMID: 25741868, with internal and published modifications).